The following is an entry in ClinVar:

NM_002381.5(MATN3):c.875_876delinsAT (p.Ser292Asn)

Genes: MATN3 (matrilin 3; minus strand), WDR35-DT (WDR35 divergent transcript; plus strand). Cytogenetic location: 2p24.1.
Variant type: Indel.
Coding change: c.875_876delinsAT on transcript NM_002381.5 (MANE Select); coding-DNA positions 875 to 876, GC replaced by AT.
Protein change: p.Ser292Asn; replaces serine 292 with asparagine.
Molecular consequence: missense variant.
Genome position (GRCh38, 1-based): chr2:20,003,201-20,003,202, GC replaced by AT on the plus strand (GC replaced by AT on the coding strand, the reverse complement: MATN3 is on the minus strand). VCF-style: chr2-20003201-GC-AT. GRCh37 (hg19) VCF-style: chr2-20202962-GC-AT.
Other names: short protein forms S292N.
Identifiers: ClinVar variation 498048 (VCV000498048.7), dbSNP rs1553327349, ClinGen allele CA658795675.

ClinVar aggregate classification (germline): Uncertain significance. Review status: criteria provided, multiple submitters, no conflicts (2 of 4 stars). 2 submissions from 2 submitters: Uncertain significance (2). Last evaluated 2025-03-24.

Submissions (2):

Labcorp Genetics (formerly Invitae), Labcorp
Classification: Uncertain significance. Last evaluated: 2025-03-24. Review status: criteria provided, single submitter. Criteria: Invitae Variant Classification Sherloc (09022015). Collection method: clinical testing. Allele origin: germline.
Comment: This sequence change replaces serine, which is neutral and polar, with asparagine, which is neutral and polar, at codon 292 of the MATN3 protein (p.Ser292Asn). Information on the frequency of this variant in the gnomAD database is not available, as this variant may be reported differently in the database. This variant has not been reported in the literature in individuals affected with MATN3-related conditions. ClinVar contains an entry for this variant (Variation ID: 498048). An algorithm developed to predict the effect of missense changes on protein structure and function (PolyPhen-2) suggests that this variant is likely to be tolerated. In summary, the available evidence is currently insufficient to determine the role of this variant in disease. Therefore, it has been classified as a Variant of Uncertain Significance.

Eurofins Ntd Llc (ga)
Classification: Uncertain significance. Last evaluated: 2016-10-18. Review status: criteria provided, single submitter. Criteria: EGL Classification Definitions 2015. Collection method: clinical testing. Allele origin: germline. Observed: 1 variant allele, 1 heterozygote.